The following is an entry in ClinVar:

ClinVar aggregate classification (germline): Pathogenic (1 of 4 stars; one submission).

Conditions:
Spondyloenchondrodysplasia with immune dysregulation (SPENCDI). Also called: ROIFMAN IMMUNOSKELETAL SYNDROME; SPONDYLOENCHONDRODYSPLASIA WITH OR WITHOUT IMMUNE DYSREGULATION; COMBINED IMMUNODEFICIENCY WITH AUTOIMMUNITY AND SPONDYLOMETAPHYSEAL DYSPLASIA. Identifiers: Orphanet 1855, MedGen C1842763, MONDO:0011939, OMIM 607944.

gnomAD v4.1: 1 of 1,610,280 alleles (0.000062%); highest among the groups gnomAD compares: Non-Finnish European, 0.000085%; no homozygotes.

Submission:

Labcorp Genetics (formerly Invitae), Labcorp
Classification: Pathogenic for Spondyloenchondrodysplasia with immune dysregulation. Last evaluated: 2025-04-20. Review status: criteria provided, single submitter. Criteria: Invitae Variant Classification Sherloc (09022015). Collection method: clinical testing. Allele origin: germline.
Comment: This sequence change creates a premature translational stop signal (p.Tyr206*) in the ACP5 gene. It is expected to result in an absent or disrupted protein product. Loss-of-function variants in ACP5 are known to be pathogenic (PMID: 21217752, 21217755). This variant is not present in population databases (gnomAD no frequency). This premature translational stop signal has been observed in individual(s) with clinical features of spondyloenchondrodysplasia (PMID: 21217752). ClinVar contains an entry for this variant (Variation ID: 2736805). For these reasons, this variant has been classified as Pathogenic.

Literature cited by the submitters: PubMed 21217752; PubMed 21217755.

NM_001611.5(ACP5):c.618C>A (p.Tyr206Ter)

Gene: ACP5 (acid phosphatase 5, tartrate resistant; minus strand). Cytogenetic location: 19p13.2.
Variant type: single nucleotide variant.
Coding change: c.618C>A on transcript NM_001611.5 (MANE Select); coding-DNA position 618, C replaced by A.
Protein change: p.Tyr206Ter; replaces tyrosine 206 with a stop codon.
Molecular consequence: nonsense.
Genome position (GRCh38, 1-based): chr19:11,576,360, G>T on the plus strand (C>A on the coding strand, the complement: ACP5 is on the minus strand). VCF-style: chr19-11576360-G-T. GRCh37 (hg19) VCF-style: chr19-11687175-G-T.
Other names: c.618C>A, p.Tyr206Ter (NM_001111034.3, NM_001111035.3, NM_001111036.3 and 1 more transcripts); short protein forms Y206*.
Identifiers: ClinVar variation 2736805 (VCV002736805.3), dbSNP rs1251215582, ClinGen allele CA404146469.